The following is an entry in ClinVar:

ClinVar aggregate classification (germline): Likely benign. Review status: criteria provided, multiple submitters, no conflicts (2 of 4 stars). 3 submissions from 3 submitters: Likely benign (3). Last evaluated 2026-03-01.

Conditions:
Hereditary cancer-predisposing syndrome. Also called: Hereditary neoplastic syndrome; Neoplastic Syndromes, Hereditary; Tumor predisposition; Hereditary Cancer Syndrome. Identifiers: Orphanet 140162, MedGen C0027672, MeSH D009386, MONDO:0015356.

Submissions (3):

CeGaT Center for Human Genetics Tuebingen
Classification: Likely benign. Last evaluated: 2026-03-01. Review status: criteria provided, single submitter. Criteria: CeGaT Center For Human Genetics Tuebingen Variant Classification Criteria Version 2. Collection method: clinical testing. Allele origin: germline. Affected: yes. Observed: 1 variant allele.
Comment: RAD50: PM2:Supporting, BP4, BP7

Labcorp Genetics (formerly Invitae), Labcorp
Classification: Likely benign for Hereditary cancer-predisposing syndrome. Last evaluated: 2022-03-21. Review status: criteria provided, single submitter. Criteria: Invitae Variant Classification Sherloc (09022015). Collection method: clinical testing. Allele origin: germline.

Ambry Genetics
Classification: Likely benign for Hereditary cancer-predisposing syndrome. Last evaluated: 2021-05-15. Review status: criteria provided, single submitter. Criteria: Ambry Variant Classification Scheme 2023. Collection method: clinical testing. Allele origin: germline.

NM_005732.4(RAD50):c.2433A>G (p.Gln811=)

Gene: RAD50 (RAD50 double strand break repair protein; plus strand). Cytogenetic location: 5q31.1.
Variant type: single nucleotide variant.
Coding change: c.2433A>G on transcript NM_005732.4 (MANE Select); coding-DNA position 2433, A replaced by G.
Protein change: p.Gln811=; no amino-acid change (glutamine 811 retained).
Molecular consequence: synonymous variant.
Genome position (GRCh38, 1-based): chr5:132,603,955, A>G. VCF-style: chr5-132603955-A-G. GRCh37 (hg19) VCF-style: chr5-131939647-A-G.
Identifiers: ClinVar variation 1791188 (VCV001791188.11), dbSNP rs2479666159, ClinGen allele CA446363856.